The following is an entry in ClinVar:

ClinVar aggregate classification (germline): Uncertain significance (1 of 4 stars; one submission).

Conditions:
Baller-Gerold syndrome (BGS). Also called: CRANIOSYNOSTOSIS WITH RADIAL DEFECTS. Identifiers: Orphanet 1225, MedGen C0265308, MONDO:0009039, OMIM 218600.

Allele frequency attached by ClinVar (database versions not stated): gnomAD 0.00001.
gnomAD v4.1: 36 of 1,608,848 alleles (0.0022%); highest among the groups gnomAD compares: Non-Finnish European, 0.0029%; no homozygotes.

Submission:

Labcorp Genetics (formerly Invitae), Labcorp
Classification: Uncertain significance for Baller-Gerold syndrome. Last evaluated: 2025-12-08. Review status: criteria provided, single submitter. Criteria: Invitae Variant Classification Sherloc (09022015). Collection method: clinical testing. Allele origin: germline.
Comment: This sequence change replaces proline, which is neutral and non-polar, with arginine, which is basic and polar, at codon 210 of the RECQL4 protein (p.Pro210Arg). This variant is present in population databases (rs746917248, gnomAD 0.0009%). This variant has not been reported in the literature in individuals affected with RECQL4-related conditions. ClinVar contains an entry for this variant (Variation ID: 646973). Invitae Evidence Modeling of protein sequence and biophysical properties (such as structural, functional, and spatial information, amino acid conservation, physicochemical variation, residue mobility, and thermodynamic stability) indicates that this missense variant is not expected to disrupt RECQL4 protein function with a negative predictive value of 80%. In summary, the available evidence is currently insufficient to determine the role of this variant in disease. Therefore, it has been classified as a Variant of Uncertain Significance.

NM_004260.4(RECQL4):c.629C>G (p.Pro210Arg)

Gene: RECQL4 (RecQ like helicase 4; minus strand). Cytogenetic location: 8q24.3.
Variant type: single nucleotide variant.
Coding change: c.629C>G on transcript NM_004260.4 (MANE Select); coding-DNA position 629, C replaced by G.
Protein change: p.Pro210Arg; replaces proline 210 with arginine.
Molecular consequence: missense variant.
Genome position (GRCh38, 1-based): chr8:144,516,490, G>C on the plus strand (C>G on the coding strand, the complement: RECQL4 is on the minus strand). VCF-style: chr8-144516490-G-C. GRCh37 (hg19) VCF-style: chr8-145741874-G-C.
Other names: short protein forms P210R.
Identifiers: ClinVar variation 646973 (VCV000646973.7), dbSNP rs746917248, ClinGen allele CA4949233.